The following is an entry in ClinVar:

ClinVar aggregate classification (germline): Likely pathogenic (1 of 4 stars; one submission).

Conditions:
Hajdu-Cheney syndrome (HJCYS). Also called: ACROOSTEOLYSIS WITH OSTEOPOROSIS AND CHANGES IN SKULL AND MANDIBLE; SERPENTINE FIBULA-POLYCYSTIC KIDNEY SYNDROME; Acroosteolysis dominant type. Identifiers: Orphanet 955, MedGen C0917715, MONDO:0007057, OMIM 102500.

Submission:

3billion
Classification: Likely pathogenic for Hajdu-Cheney syndrome. Last evaluated: 2022-05-22. Review status: criteria provided, single submitter. Criteria: ACMG Guidelines, 2015. Collection method: clinical testing. Allele origin: germline. Affected: yes. Observed: 1 heterozygote.
Comment: The variant is not observed in the gnomAD v2.1.1 dataset. Frameshift: predicted to result in a loss or disruption of normal protein function through nonsense-mediated decay (NMD) or protein truncation. Multiple pathogenic variants are reported downstream of the variant. Therefore, this variant is classified as likely pathogenic according to the recommendation of ACMG/AMP guideline.

NM_024408.4(NOTCH2):c.2653dup (p.His885fs)

Gene: NOTCH2 (notch receptor 2; minus strand). Cytogenetic location: 1p12.
Variant type: Duplication.
Coding change: c.2653dup on transcript NM_024408.4 (MANE Select); coding-DNA position 2653, one base duplicated (C; older notation c.2653dupC).
Protein change: p.His885fs; shifts the reading frame from histidine 885.
Molecular consequence: frameshift variant.
Genome position (GRCh38, 1-based): chr1:119,948,513, G duplicated on the plus strand (C on the coding strand, the reverse complement: NOTCH2 is on the minus strand); the first of 2 consecutive G bases (chr1:119,948,513-119,948,514); duplicating either gives the same sequence. VCF-style (leftmost placement, unchanged base first): chr1-119948512-T-TG. GRCh37 (hg19) VCF-style: chr1-120491135-T-TG.
Other names: c.2653dup, p.His885fs (NM_001200001.2); short protein forms H885fs.
Identifiers: ClinVar variation 1687415 (VCV001687415.1), dbSNP rs2101114577, ClinGen allele CA2573130967.